The following is an entry in ClinVar:

NM_000059.4(BRCA2):c.5253C>A (p.Tyr1751Ter)

Gene: BRCA2 (BRCA2 DNA repair associated; plus strand). Cytogenetic location: 13q13.1.
Variant type: single nucleotide variant.
Coding change: c.5253C>A on transcript NM_000059.4 (MANE Select); coding-DNA position 5253, C replaced by A.
Protein change: p.Tyr1751Ter; replaces tyrosine 1751 with a stop codon.
Molecular consequence: nonsense.
Genome position (GRCh38, 1-based): chr13:32,339,608, C>A. VCF-style: chr13-32339608-C-A. GRCh37 (hg19) VCF-style: chr13-32913745-C-A.
Other names: short protein forms Y1751*.
Identifiers: ClinVar variation 548433 (VCV000548433.3), dbSNP rs1555284133, ClinGen allele CA387784708.

ClinVar aggregate classification (germline): Pathogenic (3 of 4 stars; one submission).

Conditions:
Breast-ovarian cancer, familial, susceptibility to, 2 (BROVCA2). Also called: BRCA2 Hereditary Breast and Ovarian Cancer. Identifiers: Orphanet 145, MedGen C2675520, MONDO:0012933, OMIM 612555. Disease mechanism: loss of function.

Submission:

Evidence-based Network for the Interpretation of Germline Mutant Alleles (ENIGMA)
Classification: Pathogenic for Breast-ovarian cancer, familial, susceptibility to, 2. Last evaluated: 2017-12-15. Review status: reviewed by expert panel. Criteria: ENIGMA BRCA1/2 Classification Criteria (2017-06-29). Collection method: curation. Allele origin: germline. Study: ENIGMA.
Comment: Variant allele predicted to encode a truncated non-functional protein.